The following is an entry in ClinVar:

ClinVar aggregate classification (germline): Uncertain significance (1 of 4 stars; one submission).

Submission:

Labcorp Genetics (formerly Invitae), Labcorp
Classification: Uncertain significance. Last evaluated: 2022-11-23. Review status: criteria provided, single submitter. Criteria: Invitae Variant Classification Sherloc (09022015). Collection method: clinical testing. Allele origin: germline.
Comment: This sequence change replaces aspartic acid, which is acidic and polar, with glycine, which is neutral and non-polar, at codon 369 of the CSF2RB protein (p.Asp369Gly). This variant is not present in population databases (gnomAD no frequency). This variant has not been reported in the literature in individuals affected with CSF2RB-related conditions. Advanced modeling of protein sequence and biophysical properties (such as structural, functional, and spatial information, amino acid conservation, physicochemical variation, residue mobility, and thermodynamic stability) performed at Invitae indicates that this missense variant is not expected to disrupt CSF2RB protein function. In summary, the available evidence is currently insufficient to determine the role of this variant in disease. Therefore, it has been classified as a Variant of Uncertain Significance.

NM_000395.3(CSF2RB):c.1106A>G (p.Asp369Gly)

Gene: CSF2RB (colony stimulating factor 2 receptor subunit beta; plus strand). Cytogenetic location: 22q12.3.
Variant type: single nucleotide variant.
Coding change: c.1106A>G on transcript NM_000395.3 (MANE Select); coding-DNA position 1106, A replaced by G.
Protein change: p.Asp369Gly; replaces aspartic acid 369 with glycine.
Molecular consequence: missense variant.
Genome position (GRCh38, 1-based): chr22:36,932,858, A>G. VCF-style: chr22-36932858-A-G. GRCh37 (hg19) VCF-style: chr22-37328900-A-G.
Other names: c.1124A>G, p.Asp375Gly (NM_001410827.1); short protein forms D369G, D375G.
Identifiers: ClinVar variation 2815659 (VCV002815659.3), dbSNP rs2517997332, ClinGen allele CA411408678.